The following is an entry in ClinVar:

NM_017636.4(TRPM4):c.823C>T (p.Leu275Phe)

Gene: TRPM4 (transient receptor potential cation channel subfamily M member 4; plus strand). Cytogenetic location: 19q13.33.
Variant type: single nucleotide variant.
Coding change: c.823C>T on transcript NM_017636.4 (MANE Select); coding-DNA position 823, C replaced by T.
Protein change: p.Leu275Phe; replaces leucine 275 with phenylalanine.
Molecular consequence: missense variant. On other transcripts: 5 prime UTR variant (2).
Genome position (GRCh38, 1-based): chr19:49,171,383, C>T. VCF-style: chr19-49171383-C-T. GRCh37 (hg19) VCF-style: chr19-49674640-C-T.
Other names: c.823C>T, p.Leu275Phe (NM_001195227.2); c.478C>T, p.Leu160Phe (NM_001321281.2); c.-731C>T (NM_001321282.2); c.301C>T, p.Leu101Phe (NM_001321283.2); c.-27C>T (NM_001321285.2); short protein forms L275F, L101F, L160F.
Identifiers: ClinVar variation 566579 (VCV000566579.11), dbSNP rs746448119, ClinGen allele CA9568971.

ClinVar aggregate classification (germline): Uncertain significance. Review status: criteria provided, multiple submitters, no conflicts (2 of 4 stars). 2 submissions from 2 submitters: Uncertain significance (2). Last evaluated 2025-07-16.

Conditions:
Cardiovascular phenotype. Identifiers: MedGen CN230736.
Progressive familial heart block type IB (PFHB1B). Identifiers: Orphanet 871, MedGen C1970298, MONDO:0011474, OMIM 604559.

Allele frequency attached by ClinVar (database versions not stated): gnomAD 0.00001; gnomAD exomes 0.00001; TOPMed 0.00001; ExAC 0.00002.
gnomAD v4.1: 12 of 1,613,948 alleles (0.00074%); highest among the groups gnomAD compares: African/African-American, 0.0013%; no homozygotes.

Submissions (2):

Labcorp Genetics (formerly Invitae), Labcorp
Classification: Uncertain significance for Progressive familial heart block type IB. Last evaluated: 2025-07-16. Review status: criteria provided, single submitter. Criteria: Invitae Variant Classification Sherloc (09022015). Collection method: clinical testing. Allele origin: germline.
Comment: This sequence change replaces leucine, which is neutral and non-polar, with phenylalanine, which is neutral and non-polar, at codon 275 of the TRPM4 protein (p.Leu275Phe). This variant is present in population databases (rs746448119, gnomAD 0.002%). This variant has not been reported in the literature in individuals affected with TRPM4-related conditions. ClinVar contains an entry for this variant (Variation ID: 566579). An algorithm developed to predict the effect of missense changes on protein structure and function (PolyPhen-2) suggests that this variant is likely to be disruptive. In summary, the available evidence is currently insufficient to determine the role of this variant in disease. Therefore, it has been classified as a Variant of Uncertain Significance.

Ambry Genetics
Classification: Uncertain significance for Cardiovascular phenotype. Last evaluated: 2024-06-02. Review status: criteria provided, single submitter. Criteria: Ambry Variant Classification Scheme 2023. Collection method: clinical testing. Allele origin: germline.